The following is an entry in ClinVar:

NM_004360.5(CDH1):c.2046G>T (p.Glu682Asp)

Gene: CDH1 (cadherin 1; plus strand). Cytogenetic location: 16q22.1.
Variant type: single nucleotide variant.
Coding change: c.2046G>T on transcript NM_004360.5 (MANE Select); coding-DNA position 2046, G replaced by T.
Protein change: p.Glu682Asp; replaces glutamic acid 682 with aspartic acid.
Molecular consequence: missense variant.
Genome position (GRCh38, 1-based): chr16:68,823,508, G>T. VCF-style: chr16-68823508-G-T. GRCh37 (hg19) VCF-style: chr16-68857411-G-T.
Other names: c.1863G>T, p.Glu621Asp (NM_001317184.2); c.498G>T, p.Glu166Asp (NM_001317185.2); c.81G>T, p.Glu27Asp (NM_001317186.2); short protein forms E27D, E621D, E682D, E166D.
Identifiers: ClinVar variation 1384152 (VCV001384152.6), dbSNP rs753209043, ClinGen allele CA396467740.
Genomic context (GRCh38, chr16:68,823,508, plus strand): 5'-CTACAAAATCAATCTCAAGCTCATGGATAACCAGAATAAAGACCAAGTGACCACCTTAGA[G>T]GTCAGCGTGTGTGACTGTGAAGGGGCCGCTGGCGTCTGTAGGAAGGCACAGCCTGTCGAA-3'
Protein context (NP_004351.1, residues 672-692): NQNKDQVTTL[Glu682Asp]VSVCDCEGAA

ClinVar aggregate classification (germline): Uncertain significance (1 of 4 stars; one submission).

Conditions:
Hereditary diffuse gastric adenocarcinoma (HDGC). Also called: DIFFUSE GASTRIC AND LOBULAR BREAST CANCER SYNDROME. Identifiers: Orphanet 26106, MedGen C1708349, MONDO:0007648, OMIM 137215.

Submission:

Labcorp Genetics (formerly Invitae), Labcorp
Classification: Uncertain significance for Hereditary diffuse gastric adenocarcinoma. Last evaluated: 2021-10-02. Review status: criteria provided, single submitter. Criteria: Invitae Variant Classification Sherloc (09022015). Collection method: clinical testing. Allele origin: germline.
Comment: In summary, the available evidence is currently insufficient to determine the role of this variant in disease. Therefore, it has been classified as a Variant of Uncertain Significance. Algorithms developed to predict the effect of missense changes on protein structure and function output the following: SIFT: "Tolerated"; PolyPhen-2: "Benign"; Align-GVGD: "Class C0". The aspartic acid amino acid residue is found in multiple mammalian species, which suggests that this missense change does not adversely affect protein function. This variant has not been reported in the literature in individuals affected with CDH1-related conditions. This variant is not present in population databases (ExAC no frequency). This sequence change replaces glutamic acid with aspartic acid at codon 682 of the CDH1 protein (p.Glu682Asp). The glutamic acid residue is weakly conserved and there is a small physicochemical difference between glutamic acid and aspartic acid.